The following is an entry in ClinVar:

ClinVar aggregate classification (germline): Uncertain significance (1 of 4 stars; one submission).

Conditions:
Peroxisome biogenesis disorder, complementation group 7 (CG7). Also called: Peroxisome biogenesis disorder, complementation group B. Identifiers: MedGen C1864399.

Allele frequency attached by ClinVar (database versions not stated): gnomAD 0.00002 and 0.00003; TOPMed 0.00002.
gnomAD v4.1: 14 of 1,608,538 alleles (0.00087%); highest among the groups gnomAD compares: African/African-American, 0.012%; no homozygotes.

Submission:

Labcorp Genetics (formerly Invitae), Labcorp
Classification: Uncertain significance for Peroxisome biogenesis disorder, complementation group 7. Last evaluated: 2022-08-22. Review status: criteria provided, single submitter. Criteria: Invitae Variant Classification Sherloc (09022015). Collection method: clinical testing. Allele origin: germline.
Comment: This sequence change replaces serine, which is neutral and polar, with threonine, which is neutral and polar, at codon 276 of the PEX10 protein (p.Ser276Thr). This variant is present in population databases (rs532149116, gnomAD 0.009%). This variant has not been reported in the literature in individuals affected with PEX10-related conditions. ClinVar contains an entry for this variant (Variation ID: 1442105). Algorithms developed to predict the effect of missense changes on protein structure and function (SIFT, PolyPhen-2, Align-GVGD) all suggest that this variant is likely to be tolerated. In summary, the available evidence is currently insufficient to determine the role of this variant in disease. Therefore, it has been classified as a Variant of Uncertain Significance.

NM_002617.4(PEX10):c.766T>A (p.Ser256Thr)

Gene: PEX10 (peroxisomal biogenesis factor 10; minus strand). Cytogenetic location: 1p36.32.
Variant type: single nucleotide variant.
Coding change: c.766T>A on transcript NM_002617.4 (MANE Select); coding-DNA position 766, T replaced by A.
Protein change: p.Ser256Thr; replaces serine 256 with threonine.
Molecular consequence: missense variant. On other transcripts: non-coding transcript variant (1).
Genome position (GRCh38, 1-based): chr1:2,406,730, A>T on the plus strand (T>A on the coding strand, the complement: PEX10 is on the minus strand). VCF-style: chr1-2406730-A-T. GRCh37 (hg19) VCF-style: chr1-2338169-A-T.
Other names: c.823T>A, p.Ser275Thr (NM_001374425.1); c.391T>A, p.Ser131Thr (NM_001374426.1); c.334T>A, p.Ser112Thr (NM_001374427.1); c.826T>A, p.Ser276Thr (NM_153818.2); short protein forms S131T, S256T, S112T, S275T, S276T.
Identifiers: ClinVar variation 1442105 (VCV001442105.3), dbSNP rs532149116, ClinGen allele CA16942974.